The following is an entry in ClinVar:

NM_139076.3(ABRAXAS1):c.620G>A (p.Gly207Glu)

Gene: ABRAXAS1 (abraxas 1, BRCA1 A complex subunit; minus strand). Cytogenetic location: 4q21.23.
Variant type: single nucleotide variant.
Coding change: c.620G>A on transcript NM_139076.3 (MANE Select); coding-DNA position 620, G replaced by A.
Protein change: p.Gly207Glu; replaces glycine 207 with glutamic acid.
Molecular consequence: missense variant.
Genome position (GRCh38, 1-based): chr4:83,467,515, C>T on the plus strand (G>A on the coding strand, the complement: ABRAXAS1 is on the minus strand). VCF-style: chr4-83467515-C-T. GRCh37 (hg19) VCF-style: chr4-84388668-C-T.
Other names: c.293G>A, p.Gly98Glu (NM_001345962.2); short protein forms G207E, G98E.
Identifiers: ClinVar variation 1799706 (VCV001799706.8), dbSNP rs2529431437, ClinGen allele CA357258868.

ClinVar aggregate classification (germline): Uncertain significance. Review status: criteria provided, multiple submitters, no conflicts (2 of 4 stars). 2 submissions from 2 submitters: Uncertain significance (2). Last evaluated 2024-11-01.

Submissions (2):

Ambry Genetics
Classification: Uncertain significance. Last evaluated: 2024-11-01. Review status: criteria provided, single submitter. Criteria: Ambry Variant Classification Scheme 2023. Collection method: clinical testing. Allele origin: germline.
Comment: The p.G207E variant (also known as c.620G>A), located in coding exon 7 of the FAM175A gene, results from a G to A substitution at nucleotide position 620. The glycine at codon 207 is replaced by glutamic acid, an amino acid with similar properties. This amino acid position is conserved. In addition, the in silico prediction for this alteration is inconclusive. Since supporting evidence is limited at this time, the clinical significance of this alteration remains unclear.

Labcorp Genetics (formerly Invitae), Labcorp
Classification: Uncertain significance. Last evaluated: 2022-04-12. Review status: criteria provided, single submitter. Criteria: Invitae Variant Classification Sherloc (09022015). Collection method: clinical testing. Allele origin: germline.
Comment: This variant is not present in population databases (gnomAD no frequency). This variant has not been reported in the literature in individuals affected with ABRAXAS1-related conditions. Algorithms developed to predict the effect of missense changes on protein structure and function (SIFT, PolyPhen-2, Align-GVGD) all suggest that this variant is likely to be disruptive. In summary, the available evidence is currently insufficient to determine the role of this variant in disease. Therefore, it has been classified as a Variant of Uncertain Significance. This sequence change replaces glycine, which is neutral and non-polar, with glutamic acid, which is acidic and polar, at codon 207 of the ABRAXAS1 protein (p.Gly207Glu).